The following is an entry in ClinVar:

NM_001918.5(DBT):c.1385G>A (p.Arg462His)

Gene: DBT (dihydrolipoamide branched chain transacylase E2; minus strand). Cytogenetic location: 1p21.2.
Variant type: single nucleotide variant.
Coding change: c.1385G>A on transcript NM_001918.5 (MANE Select); coding-DNA position 1385, G replaced by A.
Protein change: p.Arg462His; replaces arginine 462 with histidine.
Molecular consequence: missense variant.
Genome position (GRCh38, 1-based): chr1:100,196,319, C>T on the plus strand (G>A on the coding strand, the complement: DBT is on the minus strand). VCF-style: chr1-100196319-C-T. GRCh37 (hg19) VCF-style: chr1-100661875-C-T.
Other names: short protein forms R462H.
Identifiers: ClinVar variation 1034868 (VCV001034868.2), dbSNP rs750594890, ClinGen allele CA969459.

ClinVar aggregate classification (germline): Uncertain significance (1 of 4 stars; one submission).

Conditions:
Maple syrup urine disease (MSUD). Identifiers: Orphanet 511, MedGen C0024776, MeSH D008375, MONDO:0009563. Disease mechanism: loss of function.

Allele frequency attached by ClinVar (database versions not stated): gnomAD 0.00001 and 0.00002; TOPMed 0.00002.
gnomAD v4.1: 15 of 1,610,342 alleles (0.00093%); highest among the groups gnomAD compares: Admixed American, 0.0051%; no homozygotes.

Submission:

Labcorp Genetics (formerly Invitae), Labcorp
Classification: Uncertain significance for Maple syrup urine disease. Last evaluated: 2021-09-24. Review status: criteria provided, single submitter. Criteria: Invitae Variant Classification Sherloc (09022015). Collection method: clinical testing. Allele origin: germline.
Comment: This sequence change replaces arginine with histidine at codon 462 of the DBT protein (p.Arg462His). The arginine residue is highly conserved and there is a small physicochemical difference between arginine and histidine. This variant is present in population databases (rs750594890, ExAC 0.01%). This variant has not been reported in the literature in individuals affected with DBT-related conditions. Algorithms developed to predict the effect of missense changes on protein structure and function output the following: SIFT: "Deleterious"; PolyPhen-2: "Benign"; Align-GVGD: "Class C0". The histidine amino acid residue is found in multiple mammalian species, which suggests that this missense change does not adversely affect protein function. This variant disrupts the p.Arg462 amino acid residue in DBT. Other variant(s) that disrupt this residue have been determined to be pathogenic (PMID: 11112664, 26232051). This suggests that this residue is clinically significant, and that variants that disrupt this residue are likely to be disease-causing. In summary, the available evidence is currently insufficient to determine the role of this variant in disease. Therefore, it has been classified as a Variant of Uncertain Significance.

Literature cited by the submitters: PubMed 11112664; PubMed 26232051.